The following is an entry in ClinVar:

ClinVar aggregate classification (germline): Conflicting classifications of pathogenicity. Review status: criteria provided, conflicting classifications (1 of 4 stars). 3 submissions from 3 submitters: Uncertain significance (1); Likely benign (2). Last evaluated 2024-09-17.

Conditions:
Cardiac arrhythmia. Also called: Cardiac rhythm disease; Arrhythmia. Identifiers: MedGen C0003811, MONDO:0007263, HP:0011675.
Long QT syndrome (LQTS). Identifiers: MedGen C0023976, MeSH D008133, MONDO:0002442. Disease mechanism: loss of function. Inheritance: Various modes of inheritance.

Submissions (3):

Color Diagnostics, LLC DBA Color Health
Classification: Likely benign for Cardiac arrhythmia. Last evaluated: 2024-09-17. Review status: criteria provided, single submitter. Criteria: ACMG Guidelines, 2015. Collection method: clinical testing. Allele origin: germline.

All of Us Research Program, National Institutes of Health
Classification: Uncertain significance for Long QT syndrome. Last evaluated: 2023-11-02. Review status: criteria provided, single submitter. Criteria: ACMG Guidelines, 2015. Collection method: clinical testing. Allele origin: germline. Inheritance: Autosomal dominant inheritance. Observed: 1 variant allele, 1 heterozygote.
Comment: This variant is located in the KCNH2 protein. To our knowledge, functional studies have not been reported for this variant. This variant has not been reported in individuals affected with KCNH2-related disorders in the literature. This variant has not been identified in the general population by the Genome Aggregation Database (gnomAD). The available evidence is insufficient to determine the role of this variant in disease conclusively. Therefore, this variant is classified as a Variant of Uncertain Significance.

This study involves interpretation of variants in research participants for the purpose of population health screening. Participant phenotype was not available at the time of variant classification. Additional details can be found in publication PMID: 35346344, PMCID: PMC8962531

Labcorp Genetics (formerly Invitae), Labcorp
Classification: Likely benign for Long QT syndrome. Last evaluated: 2021-11-24. Review status: criteria provided, single submitter. Criteria: Invitae Variant Classification Sherloc (09022015). Collection method: clinical testing. Allele origin: germline.

NM_000238.4(KCNH2):c.3051C>T (p.Ala1017=)

Gene: KCNH2 (potassium voltage-gated channel subfamily H member 2; minus strand). Cytogenetic location: 7q36.1.
Variant type: single nucleotide variant.
Coding change: c.3051C>T on transcript NM_000238.4 (MANE Select); coding-DNA position 3051, C replaced by T.
Protein change: p.Ala1017=; no amino-acid change (alanine 1017 retained).
Molecular consequence: synonymous variant.
Genome position (GRCh38, 1-based): chr7:150,947,429, G>A on the plus strand (C>T on the coding strand, the complement: KCNH2 is on the minus strand). VCF-style: chr7-150947429-G-A. GRCh37 (hg19) VCF-style: chr7-150644517-G-A.
Other names: c.2031C>T, p.Ala677= (NM_172057.3).
Identifiers: ClinVar variation 753668 (VCV000753668.12), dbSNP rs75488587, ClinGen allele CA169072031.